The following is an entry in ClinVar:

ClinVar aggregate classification (germline): Pathogenic (1 of 4 stars; one submission).

Submission:

Labcorp Genetics (formerly Invitae), Labcorp
Classification: Pathogenic. Last evaluated: 2023-06-15. Review status: criteria provided, single submitter. Criteria: Invitae Variant Classification Sherloc (09022015). Collection method: clinical testing. Allele origin: germline.
Comment: For these reasons, this variant has been classified as Pathogenic. Algorithms developed to predict the effect of sequence changes on RNA splicing suggest that this variant may disrupt the consensus splice site. This variant has not been reported in the literature in individuals affected with LOXHD1-related conditions. This variant is not present in population databases (gnomAD no frequency). This sequence change creates a premature translational stop signal (p.Gln1465*) in the LOXHD1 gene. It is expected to result in an absent or disrupted protein product. Loss-of-function variants in LOXHD1 are known to be pathogenic (PMID: 19732867, 21465660, 25792669).

Literature cited by the submitters: PubMed 19732867; PubMed 21465660; PubMed 25792669.

NM_001384474.1(LOXHD1):c.4393C>T (p.Gln1465Ter)

Gene: LOXHD1 (lipoxygenase homology PLAT domains 1; minus strand). Cytogenetic location: 18q21.1.
Variant type: single nucleotide variant.
Coding change: c.4393C>T on transcript NM_001384474.1 (MANE Select); coding-DNA position 4393, C replaced by T.
Protein change: p.Gln1465Ter; replaces glutamine 1465 with a stop codon.
Molecular consequence: nonsense.
Genome position (GRCh38, 1-based): chr18:46,529,314, G>A on the plus strand (C>T on the coding strand, the complement: LOXHD1 is on the minus strand). VCF-style: chr18-46529314-G-A. GRCh37 (hg19) VCF-style: chr18-44109277-G-A.
Other names: c.1060C>T, p.Gln354Ter (NM_001145472.3); c.772C>T, p.Gln258Ter (NM_001308013.2); c.4393C>T, p.Gln1465Ter (NM_144612.7); short protein forms Q258*, Q1465*, Q354*.
Identifiers: ClinVar variation 2716253 (VCV002716253.3), dbSNP rs2511638519, ClinGen allele CA402374098.
Genomic context (GRCh38, chr18:46,529,314, plus strand): 5'-AGATGGTGATGTACACCTTGGCATCCGTCCCTGCCCCAGGAATGTTCCCTGTGAAGATCT[G>A]CACCGAGTACAGCACAACTGGGCAGGTGGTGGGACAGACAGACAGACAAAGGGAAGAAAA-3'